The following is an entry in ClinVar:

ClinVar aggregate classification (germline): Uncertain significance. Review status: criteria provided, multiple submitters, no conflicts (2 of 4 stars). 2 submissions from 2 submitters: Uncertain significance (2). Last evaluated 2025-07-22.

Conditions:
Dyskeratosis congenita, autosomal recessive 5 (DKCB5). Identifiers: MedGen C3554656, MONDO:0014076, OMIM 615190.
Pulmonary fibrosis and/or bone marrow failure, Telomere-related, 3. Also called: PULMONARY FIBROSIS AND/OR BONE MARROW FAILURE SYNDROME, TELOMERE-RELATED, 3. Identifiers: Orphanet 2032, MedGen C4225346, MONDO:0014613, OMIM 616373.
Inborn genetic diseases. Identifiers: MedGen C0950123, MeSH D030342.

Submissions (2):

Ambry Genetics
Classification: Uncertain significance for Inborn genetic diseases. Last evaluated: 2025-07-22. Review status: criteria provided, single submitter. Criteria: Ambry Variant Classification Scheme 2023. Collection method: clinical testing. Allele origin: germline.
Comment: The p.I558N variant (also known as c.1673T>A), located in coding exon 19 of the RTEL1 gene, results from a T to A substitution at nucleotide position 1673. The isoleucine at codon 558 is replaced by asparagine, an amino acid with dissimilar properties. This amino acid position is conserved. In addition, the in silico prediction for this alteration is inconclusive. Based on the available evidence, the clinical significance of this variant remains unclear.

Labcorp Genetics (formerly Invitae), Labcorp
Classification: Uncertain significance for Dyskeratosis congenita, autosomal recessive 5; Pulmonary fibrosis and/or bone marrow failure, Telomere-related, 3. Last evaluated: 2024-01-13. Review status: criteria provided, single submitter. Criteria: Invitae Variant Classification Sherloc (09022015). Collection method: clinical testing. Allele origin: germline.
Comment: This sequence change replaces isoleucine, which is neutral and non-polar, with asparagine, which is neutral and polar, at codon 558 of the RTEL1 protein (p.Ile558Asn). This variant is not present in population databases (gnomAD no frequency). This variant has not been reported in the literature in individuals affected with RTEL1-related conditions. An algorithm developed to predict the effect of missense changes on protein structure and function (PolyPhen-2) suggests that this variant is likely to be tolerated. In summary, the available evidence is currently insufficient to determine the role of this variant in disease. Therefore, it has been classified as a Variant of Uncertain Significance.

NM_001283009.2(RTEL1):c.1673T>A (p.Ile558Asn)

Genes: RTEL1 (regulator of telomere elongation helicase 1; plus strand), RTEL1-TNFRSF6B (RTEL1-TNFRSF6B readthrough (NMD candidate); plus strand). Cytogenetic location: 20q13.33.
Variant type: single nucleotide variant.
Coding change: c.1673T>A on transcript NM_001283009.2 (MANE Select); coding-DNA position 1673, T replaced by A.
Protein change: p.Ile558Asn; replaces isoleucine 558 with asparagine.
Molecular consequence: missense variant. On other transcripts: non-coding transcript variant (1).
Genome position (GRCh38, 1-based): chr20:63,688,337, T>A. VCF-style: chr20-63688337-T-A. GRCh37 (hg19) VCF-style: chr20-62319690-T-A.
Other names: c.1004T>A, p.Ile335Asn (NM_001283010.1); c.1673T>A, p.Ile558Asn (NM_016434.4); c.1745T>A, p.Ile582Asn (NM_032957.5); short protein forms I335N, I558N, I582N.
Identifiers: ClinVar variation 2949024 (VCV002949024.4), dbSNP rs2517119704, ClinGen allele CA409677653.